The following is an entry in ClinVar:

ClinVar aggregate classification (germline): Uncertain significance (1 of 4 stars; one submission).

Submission:

Dasa
Classification: Uncertain significance. Last evaluated: 2025-08-28. Review status: criteria provided, single submitter. Criteria: DASA Assertion Criteria. Collection method: clinical testing. Allele origin: germline.
Comment: NM_198503.5(KCNT2):c.1903G>A (p.Val635Ile) is a missense variant that results in the substitution of valine with isoleucine. This variant is absent from population databases. Computational prediction algorithms are consistent with a benign effect. The currently available literature and clinical evidence are not sufficient to establish a definitive association between this variant and the reported condition. Therefore, this variant is classified as a variant of uncertain significance.

NM_198503.5(KCNT2):c.1903G>A (p.Val635Ile)

Gene: KCNT2 (potassium sodium-activated channel subfamily T member 2; minus strand). Cytogenetic location: 1q31.3.
Variant type: single nucleotide variant.
Coding change: c.1903G>A on transcript NM_198503.5 (MANE Select); coding-DNA position 1903, G replaced by A.
Protein change: p.Val635Ile; replaces valine 635 with isoleucine.
Molecular consequence: missense variant. On other transcripts: non-coding transcript variant (2).
Genome position (GRCh38, 1-based): chr1:196,333,941, C>T on the plus strand (G>A on the coding strand, the complement: KCNT2 is on the minus strand). VCF-style: chr1-196333941-C-T. GRCh37 (hg19) VCF-style: chr1-196303071-C-T.
Other names: c.1903G>A, p.Val635Ile (NM_001287819.3); c.1753G>A, p.Val585Ile (NM_001287820.3); short protein forms V585I, V635I.
Identifiers: ClinVar variation 4881810 (VCV004881810.2).